The following is an entry in ClinVar:

NM_005228.5(EGFR):c.2912T>C (p.Met971Thr)

Gene: EGFR (epidermal growth factor receptor; plus strand). Cytogenetic location: 7p11.2.
Variant type: single nucleotide variant.
Coding change: c.2912T>C on transcript NM_005228.5 (MANE Select); coding-DNA position 2912, T replaced by C.
Protein change: p.Met971Thr; replaces methionine 971 with threonine.
Molecular consequence: missense variant.
Genome position (GRCh38, 1-based): chr7:55,200,379, T>C. VCF-style: chr7-55200379-T-C. GRCh37 (hg19) VCF-style: chr7-55268072-T-C.
Other names: c.2777T>C, p.Met926Thr (NM_001346897.2, NM_001346899.2); c.2912T>C, p.Met971Thr (NM_001346898.2); c.2753T>C, p.Met918Thr (NM_001346900.2); c.2111T>C, p.Met704Thr (NM_001346941.2); short protein forms M704T, M971T, M918T, M926T.
Identifiers: ClinVar variation 3843789 (VCV003843789.1).
Genomic context (GRCh38, chr7:55,200,379, plus strand): 5'-GGATGATAGACGCAGATAGTCGCCCAAAGTTCCGTGAGTTGATCATCGAATTCTCCAAAA[T>C]GGCCCGAGACCCCCAGCGCTACCTTGTCATTCAGGTACAAATTGCAGTCTGTGCTTCCAT-3'
Protein context (NP_005219.2, residues 961-981): FRELIIEFSK[Met971Thr]ARDPQRYLVI

ClinVar aggregate classification (germline): Uncertain significance (1 of 4 stars; one submission).

Conditions:
Hereditary cancer-predisposing syndrome. Also called: Hereditary neoplastic syndrome; Neoplastic Syndromes, Hereditary; Tumor predisposition; Hereditary Cancer Syndrome. Identifiers: Orphanet 140162, MedGen C0027672, MeSH D009386, MONDO:0015356.

gnomAD v4.1: 1 of 1,614,188 alleles (0.000062%); highest among the groups gnomAD compares: Non-Finnish European, 0.000085%; no homozygotes.

Submission:

Ambry Genetics
Classification: Uncertain significance for Hereditary cancer-predisposing syndrome. Last evaluated: 2025-01-17. Review status: criteria provided, single submitter. Criteria: Ambry Variant Classification Scheme 2023. Collection method: clinical testing. Allele origin: germline.
Comment: The p.M971T variant (also known as c.2912T>C), located in coding exon 24 of the EGFR gene, results from a T to C substitution at nucleotide position 2912. The methionine at codon 971 is replaced by threonine, an amino acid with similar properties. This amino acid position is highly conserved in available vertebrate species. In addition, the in silico prediction for this alteration is inconclusive. Based on the available evidence, the clinical significance of this variant remains unclear.